The following is an entry in ClinVar:

NM_021076.4(NEFH):c.1740C>T (p.Ser580=)

Gene: NEFH (neurofilament heavy chain; plus strand). Cytogenetic location: 22q12.2.
Variant type: single nucleotide variant.
Coding change: c.1740C>T on transcript NM_021076.4 (MANE Select); coding-DNA position 1740, C replaced by T.
Protein change: p.Ser580=; no amino-acid change (serine 580 retained).
Molecular consequence: synonymous variant.
Genome position (GRCh38, 1-based): chr22:29,489,380, C>T. VCF-style: chr22-29489380-C-T. GRCh37 (hg19) VCF-style: chr22-29885369-C-T.
Other names: p.Ser580=.
Identifiers: ClinVar variation 522276 (VCV000522276.56), dbSNP rs114263951, ClinGen allele CA10174269.

ClinVar aggregate classification (germline): Benign/Likely benign. Review status: criteria provided, multiple submitters, no conflicts (2 of 4 stars). 10 submissions from 10 submitters: Benign (3); Likely benign (4). 3 of the submissions do not count toward it. Last evaluated 2026-07-01.

Conditions:
Amyotrophic lateral sclerosis type 1 (ALS1). Also called: AMYOTROPHIC LATERAL SCLEROSIS 1, FAMILIAL. Identifiers: Orphanet 803, MedGen C1862939, MONDO:0007103, OMIM 105400.
Inborn genetic diseases. Identifiers: MedGen C0950123, MeSH D030342.
NEFH-related disorder. Also called: NEFH-related condition.

Allele frequency attached by ClinVar (database versions not stated): 1000 Genomes Project 30x 0.00453; 1000 Genomes Project 0.00459; gnomAD 0.00739 and 0.00755; ExAC 0.00779; gnomAD exomes 0.00803 and 0.00964; ESP Exome Variant Server 0.00853; TOPMed 0.00856.
gnomAD v4.1: 15,302 of 1,611,668 alleles (0.95%); highest among the groups gnomAD compares: Middle Eastern, 2.7%; 110 homozygotes.

Submissions (10):

CeGaT Center for Human Genetics Tuebingen
Classification: Benign. Last evaluated: 2026-07-01. Review status: criteria provided, single submitter. Criteria: CeGaT Center For Human Genetics Tuebingen Variant Classification Criteria Version 2. Collection method: clinical testing. Allele origin: germline. Affected: yes. Observed: 48 variant alleles.
Comment: NEFH: BP4, BP7, BS1, BS2

Labcorp Genetics (formerly Invitae), Labcorp
Classification: Benign. Last evaluated: 2026-02-03. Review status: criteria provided, single submitter. Criteria: Invitae Variant Classification Sherloc (09022015). Collection method: clinical testing. Allele origin: germline.

Mayo Clinic Laboratories, Mayo Clinic
Classification: Benign. Last evaluated: 2023-02-10. Review status: criteria provided, single submitter. Criteria: ACMG Guidelines, 2015. Collection method: clinical testing. Allele origin: germline. Observed: 42 variant alleles.
Comment: BS1, BS2, BP4, BP7

GeneDx
Classification: Likely benign. Last evaluated: 2021-05-03. Review status: criteria provided, single submitter. Criteria: GeneDx Variant Classification Process June 2021. Collection method: clinical testing. Allele origin: germline. Affected: yes.

Ambry Genetics
Classification: Likely benign for Inborn genetic diseases. Last evaluated: 2019-07-11. Review status: criteria provided, single submitter. Criteria: Ambry Variant Classification Scheme 2023. Collection method: clinical testing. Allele origin: germline.

Clinical Genetics DNA and cytogenetics Diagnostics Lab, Erasmus MC, Erasmus Medical Center
Classification: Likely benign for Amyotrophic lateral sclerosis type 1. Last evaluated: 2015-09-21. Review status: criteria provided, single submitter. Criteria: ACGS Guidelines, 2013. Collection method: clinical testing. Allele origin: germline. Affected: yes. Study: VKGL Data-share Consensus.

Breakthrough Genomics
Classification: Likely benign. Review status: criteria provided, single submitter. Criteria: ACMG Guidelines, 2015. Collection method: not provided. Allele origin: germline. Inheritance: Autosomal recessive inheritance. Affected: yes.

PreventionGenetics, part of Exact Sciences
Classification: Benign for NEFH-related condition. Last evaluated: 2019-12-11. Review status: no assertion criteria provided. Collection method: clinical testing. Allele origin: germline. Not counted in ClinVar's aggregate classification.
Comment: This variant is classified as benign based on ACMG/AMP sequence variant interpretation guidelines (Richards et al. 2015 PMID: 25741868, with internal and published modifications).

Genome Diagnostics Laboratory, Amsterdam University Medical Center
Classification: Likely benign for Amyotrophic lateral sclerosis type 1. Last evaluated: 2015-06-23. Review status: no assertion criteria provided. Criteria: ACGS Guidelines, 2013. Collection method: clinical testing. Allele origin: germline. Affected: yes. Study: VKGL Data-share Consensus. Not counted in ClinVar's aggregate classification.

Clinical Genetics, Academic Medical Center
Classification: Benign. Review status: no assertion criteria provided. Collection method: clinical testing. Allele origin: germline. Affected: yes. Study: VKGL Data-share Consensus. Not counted in ClinVar's aggregate classification.